The following is an entry in ClinVar:

ClinVar aggregate classification (germline): Benign. Review status: criteria provided, multiple submitters, no conflicts (2 of 4 stars). 4 submissions from 4 submitters: Benign (4). Last evaluated 2026-02-03.

Conditions:
Brugada syndrome 8 (BRGDA8). Identifiers: Orphanet 130, MedGen C2751083, MONDO:0013148, OMIM 613123.

Allele frequency attached by ClinVar (database versions not stated): gnomAD exomes 0.00139 and 0.00385; ExAC 0.00463; gnomAD 0.01411 and 0.01520; 1000 Genomes Project 0.01418; 1000 Genomes Project 30x 0.01546; TOPMed 0.01629; ESP Exome Variant Server 0.01933.
gnomAD v4.1: 4,225 of 1,614,028 alleles (0.26%); highest among the groups gnomAD compares: African/African-American, 4.9%; 91 homozygotes.

Submissions (4):

Labcorp Genetics (formerly Invitae), Labcorp
Classification: Benign for Brugada syndrome 8. Last evaluated: 2026-02-03. Review status: criteria provided, single submitter. Criteria: Invitae Variant Classification Sherloc (09022015). Collection method: clinical testing. Allele origin: germline.

ARUP Laboratories, Molecular Genetics and Genomics, ARUP Laboratories
Classification: Benign. Last evaluated: 2025-04-08. Review status: criteria provided, single submitter. Criteria: ARUP Molecular Germline Variant Investigation Process 2024. Collection method: clinical testing. Allele origin: germline.

Women's Health and Genetics/Laboratory Corporation of America, LabCorp
Classification: Benign. Last evaluated: 2024-04-08. Review status: criteria provided, single submitter. Criteria: LabCorp Variant Classification Summary - May 2015. Collection method: clinical testing. Allele origin: germline.

GeneDx
Classification: Benign. Last evaluated: 2014-09-02. Review status: criteria provided, single submitter. Criteria: GeneDx Variant Classification (06012015). Collection method: clinical testing. Allele origin: germline. Affected: yes.
Comment: This variant is considered likely benign or benign based on one or more of the following criteria: it is a conservative change, it occurs at a poorly conserved position in the protein, it is predicted to be benign by multiple in silico algorithms, and/or has population frequency not consistent with disease.

NM_005477.3(HCN4):c.1737+20G>A

Gene: HCN4 (hyperpolarization activated cyclic nucleotide gated potassium channel 4; minus strand). Cytogenetic location: 15q24.1.
Variant type: single nucleotide variant.
Coding change: c.1737+20G>A on transcript NM_005477.3 (MANE Select); 20 bases into the intron after coding-DNA position 1737, G replaced by A.
Molecular consequence: intron variant.
Genome position (GRCh38, 1-based): chr15:73,325,278, C>T on the plus strand (G>A on the coding strand, the complement: HCN4 is on the minus strand). VCF-style: chr15-73325278-C-T. GRCh37 (hg19) VCF-style: chr15-73617619-C-T.
Identifiers: ClinVar variation 190771 (VCV000190771.11), dbSNP rs115706632, ClinGen allele CA301951.